The following is an entry in ClinVar:

ClinVar aggregate classification (germline): Pathogenic (1 of 4 stars; one submission).

Submission:

Labcorp Genetics (formerly Invitae), Labcorp
Classification: Pathogenic. Last evaluated: 2020-12-12. Review status: criteria provided, single submitter. Criteria: Invitae Variant Classification Sherloc (09022015). Collection method: clinical testing. Allele origin: germline.
Comment: For these reasons, this variant has been classified as Pathogenic. This variant has not been reported in the literature in individuals with COL2A1-related conditions. This variant is not present in population databases (ExAC no frequency). This sequence change creates a premature translational stop signal (p.Gln713*) in the COL2A1 gene. It is expected to result in an absent or disrupted protein product. Loss-of-function variants in COL2A1 are known to be pathogenic (PMID: 20179744).

Literature cited by the submitters: PubMed 20179744.

NM_001844.5(COL2A1):c.2137C>T (p.Gln713Ter)

Gene: COL2A1 (collagen type II alpha 1 chain; minus strand). Cytogenetic location: 12q13.11.
Variant type: single nucleotide variant.
Coding change: c.2137C>T on transcript NM_001844.5 (MANE Select); coding-DNA position 2137, C replaced by T.
Protein change: p.Gln713Ter; replaces glutamine 713 with a stop codon.
Molecular consequence: nonsense.
Genome position (GRCh38, 1-based): chr12:47,982,904, G>A on the plus strand (C>T on the coding strand, the complement: COL2A1 is on the minus strand). VCF-style: chr12-47982904-G-A. GRCh37 (hg19) VCF-style: chr12-48376687-G-A.
Other names: c.1930C>T, p.Gln644Ter (NM_033150.3); short protein forms Q713*, Q644*.
Identifiers: ClinVar variation 1453345 (VCV001453345.6), dbSNP rs2136551414, ClinGen allele CA384547051.